The following is an entry in ClinVar:

NM_004380.3(CREBBP):c.6013C>T (p.Pro2005Ser)

Gene: CREBBP (CREB binding protein; minus strand). Cytogenetic location: 16p13.3.
Variant type: single nucleotide variant.
Coding change: c.6013C>T on transcript NM_004380.3 (MANE Select); coding-DNA position 6013, C replaced by T.
Protein change: p.Pro2005Ser; replaces proline 2005 with serine.
Molecular consequence: missense variant.
Genome position (GRCh38, 1-based): chr16:3,729,034, G>A on the plus strand (C>T on the coding strand, the complement: CREBBP is on the minus strand). VCF-style: chr16-3729034-G-A. GRCh37 (hg19) VCF-style: chr16-3779035-G-A.
Other names: c.5899C>T, p.Pro1967Ser (NM_001079846.1); short protein forms P1967S, P2005S.
Identifiers: ClinVar variation 1709029 (VCV001709029.2), dbSNP rs2151306711, ClinGen allele CA394554605.

ClinVar aggregate classification (germline): Likely benign (1 of 4 stars; one submission).

Conditions:
Menke-Hennekam syndrome 1 (MKHK1). Identifiers: MedGen C5193034, MONDO:0020763, OMIM 618332.

Submission:

MGZ Medical Genetics Center
Classification: Likely benign for Menke-Hennekam syndrome 1. Last evaluated: 2021-12-27. Review status: criteria provided, single submitter. Criteria: ACMG Guidelines, 2015. Collection method: clinical testing. Allele origin: germline. Affected: yes. Observed: 2 variant alleles.
Comment: ACMG criteria applied: PM2_SUP, PP2, BS2_SUP, BP4